The following is an entry in ClinVar:

ClinVar aggregate classification (germline): Likely pathogenic (1 of 4 stars; one submission).

Conditions:
Cardiovascular phenotype. Identifiers: MedGen CN230736.

Submission:

Ambry Genetics
Classification: Likely pathogenic for Cardiovascular phenotype. Last evaluated: 2019-12-20. Review status: criteria provided, single submitter. Criteria: Ambry Variant Classification Scheme 2023. Collection method: clinical testing. Allele origin: germline.
Comment: The c.43183_43184delCT variant, located in coding exon 153 of the TTN gene, results from a deletion of two nucleotides at nucleotide positions 43183 to 43184, causing a translational frameshift with a predicted alternate stop codon (p.L14395Dfs*16). This exon is located in the A-band region of the N2-B isoform of the titin protein and is constitutively expressed in TTN transcripts (percent spliced in or PSI 100%). This alteration is expected to result in loss of function by premature protein truncation or nonsense-mediated mRNA decay. While truncating variants in TTN are present in 1-3% of the general population, truncating variants in the A-band are the most common cause of dilated cardiomyopathy (DCM) (Herman DS et al. N. Engl. J. Med., 2012 Feb;366:619-28; Roberts AM et al. Sci Transl Med, 2015 Jan;7:270ra6). TTN truncating variants encoded in constitutive exons (PSI >90%) have been found to be significantly associated with DCM regardless of their position in titin (Schafer S et al. Nat. Genet., 2017 01;49:46-53). As such, this alteration is classified as likely pathogenic.

NM_001267550.2(TTN):c.70378_70379del (p.Leu23460fs)

Genes: TTN (titin; minus strand), TTN-AS1 (TTN antisense RNA 1; plus strand), LOC126806422 (BRD4-independent group 4 enhancer GRCh37_chr2:179440205-179441404; plus strand). Cytogenetic location: 2q31.2.
Variant type: Microsatellite.
Coding change: c.70378_70379del on transcript NM_001267550.2 (MANE Select); coding-DNA positions 70378 to 70379, 2 bases deleted (CT; older notation c.70378_70379delCT).
Protein change: p.Leu23460fs; shifts the reading frame from leucine 23460.
Molecular consequence: frameshift variant.
Genome position (GRCh38, 1-based): chr2:178,575,753-178,575,754, AG deleted on the plus strand (CT on the coding strand, the reverse complement: TTN is on the minus strand); deleting any 2 consecutive bases within chr2:178,575,753-178,575,756 gives the same sequence; the c. name uses the placement nearest the transcript's 3' end. VCF-style (leftmost placement, unchanged base first): chr2-178575752-CAG-C. GRCh37 (hg19) VCF-style: chr2-179440479-CAG-C.
Other names: c.65455_65456del, p.Leu21819fs (NM_001256850.1); c.43183_43184del, p.Leu14395fs (NM_003319.4); c.62674_62675del, p.Leu20892fs (NM_133378.4); c.43558_43559del, p.Leu14520fs (NM_133432.3); c.43759_43760del, p.Leu14587fs (NM_133437.4); c.43183_43184delCT (NM_003319.4); short protein forms L14587fs, L21819fs, L14520fs, L20892fs, L23460fs, L14395fs.
Identifiers: ClinVar variation 1739667 (VCV001739667.2), dbSNP rs2468696124, ClinGen allele CA2580614566.